The following is an entry in ClinVar:

ClinVar aggregate classification (germline): Uncertain significance (1 of 4 stars; one submission).

Conditions:
Intellectual developmental disorder with hypotonia and behavioral abnormalities. Identifiers: MedGen C5231489, MONDO:0032897, OMIM 618748.

Submission:

3billion
Classification: Uncertain significance for Intellectual developmental disorder with hypotonia and behavioral abnormalities. Last evaluated: 2023-02-23. Review status: criteria provided, single submitter. Criteria: ACMG Guidelines, 2015. Collection method: clinical testing. Allele origin: unknown. Affected: yes.
Comment: The variant is not observed in the gnomAD v2.1.1 dataset. Missense changes are a common disease-causing mechanism. In silico tool predictions suggest damaging effect of the variant on gene or gene product (REVEL: 0.97; 3Cnet: 0.72). Different missense changes at the same codon (p.Gly30Cys, p.Gly30Ser) have been reported to be associated with CDK8 related disorder (ClinVar ID: VCV000805983, VCV000871513 / PMID: 30905399). However the evidence of pathogenicity is insufficient at this time. Therefore, this variant is classified as VUS according to the recommendation of ACMG/AMP guideline.

Literature cited by the submitters: PubMed 30905399.

NM_001260.3(CDK8):c.89G>A (p.Gly30Asp)

Genes: CDK8 (cyclin dependent kinase 8; plus strand), LOC130009416 (ATAC-STARR-seq lymphoblastoid silent region 5186; plus strand). Cytogenetic location: 13q12.13.
Variant type: single nucleotide variant.
Coding change: c.89G>A on transcript NM_001260.3 (MANE Select); coding-DNA position 89, G replaced by A.
Protein change: p.Gly30Asp; replaces glycine 30 with aspartic acid.
Molecular consequence: missense variant. On other transcripts: 5 prime UTR variant (1).
Genome position (GRCh38, 1-based): chr13:26,254,730, G>A. VCF-style: chr13-26254730-G-A. GRCh37 (hg19) VCF-style: chr13-26828867-G-A.
Other names: c.89G>A, p.Gly30Asp (NM_001318368.2); c.-373G>A (NM_001346501.2); short protein forms G30D.
Identifiers: ClinVar variation 2444300 (VCV002444300.1), dbSNP rs2137842716, ClinGen allele CA387629871.
Genomic context (GRCh38, chr13:26,254,730, plus strand): 5'-GCAGCGAGCGGGAGCGGGTCGAGGACCTGTTTGAATACGAGGGCTGCAAAGTTGGCCGAG[G>A]CACTTATGGTCACGTCTACAAAGCCAAGAGGAAAGATGGGTGAGTGTGTGTGTCTGGGCC-3'
Protein context (NP_001251.1, residues 20-40): FEYEGCKVGR[Gly30Asp]TYGHVYKAKR